The following is an entry in ClinVar:

ClinVar aggregate classification (germline): Uncertain significance (1 of 4 stars; one submission).

Submission:

Clinical Genomics Laboratory, Washington University in St. Louis
Classification: Uncertain significance. Last evaluated: 2023-08-15. Review status: criteria provided, single submitter. Criteria: ACMG Guidelines, 2015. Collection method: clinical testing. Allele origin: germline.
Comment: The STX8 c.117+1G>A variant, to our knowledge, has not been reported in the medical literature and is absent from the general population (gnomAD v.2.1.1), indicating it is not a common variant. This variant occurs within the canonical splice donor site, which is predicted to cause skipping of the exon, leading to an out of frame transcript. However, this gene is not constrained for loss of function (gnomAD browser), so the effect of a loss of STX8 function is unknown. Due to limited information, the clinical significance of this variant is uncertain.

NM_004853.3(STX8):c.117+1G>A

Gene: STX8 (syntaxin 8; minus strand). Cytogenetic location: 17p13.1.
Variant type: single nucleotide variant.
Coding change: c.117+1G>A on transcript NM_004853.3 (MANE Select); the canonical splice donor site of the intron after coding-DNA position 117, G replaced by A.
Molecular consequence: splice donor variant.
Genome position (GRCh38, 1-based): chr17:9,568,370, C>T on the plus strand (G>A on the coding strand, the complement: STX8 is on the minus strand). VCF-style: chr17-9568370-C-T. GRCh37 (hg19) VCF-style: chr17-9471687-C-T.
Identifiers: ClinVar variation 2672209 (VCV002672209.1), dbSNP rs1436403910, ClinGen allele CA398068322.